The following is an entry in ClinVar:

NM_001102469.2(LIPN):c.627G>A (p.Thr209=)

Gene: LIPN (lipase family member N; plus strand). Cytogenetic location: 10q23.31.
Variant type: single nucleotide variant.
Coding change: c.627G>A on transcript NM_001102469.2 (MANE Select); coding-DNA position 627, G replaced by A.
Protein change: p.Thr209=; no amino-acid change (threonine 209 retained).
Molecular consequence: synonymous variant.
Genome position (GRCh38, 1-based): chr10:88,768,883, G>A. VCF-style: chr10-88768883-G-A. GRCh37 (hg19) VCF-style: chr10-90528640-G-A.
Identifiers: ClinVar variation 4975714 (VCV004975714.1).

ClinVar aggregate classification (germline): Uncertain significance (1 of 4 stars; one submission).

Submission:

GeneDx
Classification: Uncertain significance. Last evaluated: 2026-01-30. Review status: criteria provided, single submitter. Criteria: GeneDx Variant Classification Process June 2021. Collection method: clinical testing. Allele origin: germline.
Comment: Has not been previously published as pathogenic or benign to our knowledge; In silico analysis is inconclusive as to whether the variant alters gene splicing. In the absence of RNA/functional studies, the actual effect of this sequence change is unknown.